The following is an entry in ClinVar:

NM_032578.4(MYPN):c.2096del (p.Ala699fs)

Gene: MYPN (myopalladin; plus strand). Cytogenetic location: 10q21.3.
Variant type: Deletion.
Coding change: c.2096del on transcript NM_032578.4 (MANE Select); coding-DNA position 2096, one base deleted (C; older notation c.2096delC).
Protein change: p.Ala699fs; shifts the reading frame from alanine 699.
Molecular consequence: frameshift variant. On other transcripts: non-coding transcript variant (2).
Genome position (GRCh38, 1-based): chr10:68,174,188, C deleted. VCF-style (leftmost placement, unchanged base first): chr10-68174187-GC-G. GRCh37 (hg19) VCF-style: chr10-69933944-GC-G.
Other names: c.2096del, p.Ala699fs (NM_001256267.2); c.1214del, p.Ala405fs (NM_001256268.2); short protein forms A699fs, A405fs.
Identifiers: ClinVar variation 4714665 (VCV004714665.1).
Genomic context (GRCh38, chr10:68,174,187, plus strand): 5'-AACCCACCTCCTTCATCTCCTAAGGAGTTTCCTTTCAGCATGACTGTTTTGAACTCCAAT[GC>G]TCCCCCAGCGGTGACAACATCCAGTAAGCAGGTGAAGGCTCCTTCATCACAGACGTTCAG-3'

ClinVar aggregate classification (germline): Pathogenic (1 of 4 stars; one submission).

Conditions:
Dilated cardiomyopathy 1KK (CMD1KK). Identifiers: Orphanet 154, Orphanet 75249, MedGen C3714995, MONDO:0014100, OMIM 615248.

Submission:

Labcorp Genetics (formerly Invitae), Labcorp
Classification: Pathogenic for Dilated cardiomyopathy 1KK. Last evaluated: 2025-03-16. Review status: criteria provided, single submitter. Criteria: Invitae Variant Classification Sherloc (09022015). Collection method: clinical testing. Allele origin: germline.
Comment: This sequence change creates a premature translational stop signal (p.Ala699Valfs*5) in the MYPN gene. It is expected to result in an absent or disrupted protein product. Loss-of-function variants in MYPN are known to be pathogenic (PMID: 28017374). This variant is not present in population databases (gnomAD no frequency). This variant has not been reported in the literature in individuals affected with MYPN-related conditions. For these reasons, this variant has been classified as Pathogenic.

Literature cited by the submitters: PubMed 28017374.